The following is an entry in ClinVar:

NM_000181.4(GUSB):c.1927C>T (p.Gln643Ter)

Gene: GUSB (glucuronidase beta; minus strand). Cytogenetic location: 7q11.21.
Variant type: single nucleotide variant.
Coding change: c.1927C>T on transcript NM_000181.4 (MANE Select); coding-DNA position 1927, C replaced by T.
Protein change: p.Gln643Ter; replaces glutamine 643 with a stop codon.
Molecular consequence: nonsense. On other transcripts: non-coding transcript variant (1).
Genome position (GRCh38, 1-based): chr7:65,960,926, G>A on the plus strand (C>T on the coding strand, the complement: GUSB is on the minus strand). VCF-style: chr7-65960926-G-A. GRCh37 (hg19) VCF-style: chr7-65425913-G-A.
Other names: c.1489C>T, p.Gln497Ter (NM_001284290.2); c.1357C>T, p.Gln453Ter (NM_001293104.2); c.1270C>T, p.Gln424Ter (NM_001293105.2); short protein forms Q643*, Q424*, Q497*, Q453*.
Identifiers: ClinVar variation 1962283 (VCV001962283.4), dbSNP rs1790443878, ClinGen allele CA367637040.

ClinVar aggregate classification (germline): Conflicting classifications of pathogenicity. Review status: criteria provided, conflicting classifications (1 of 4 stars). 2 submissions from 2 submitters: Likely pathogenic (1); Uncertain significance (1). Last evaluated 2023-05-23.

Conditions:
Mucopolysaccharidosis type 7 (MPS7). Also called: GUSB DEFICIENCY; SLY SYNDROME; BETA-GLUCURONIDASE DEFICIENCY; MPS VII. Identifiers: Orphanet 584, MedGen C0085132, MONDO:0009662, OMIM 253220.

Allele frequency attached by ClinVar (database versions not stated): gnomAD exomes below 0.00001; TOPMed below 0.00001.
gnomAD v4.1: 2 of 1,614,018 alleles (0.00012%); highest among the groups gnomAD compares: Non-Finnish European, 0.00017%; no homozygotes.

Submissions (2):

Department of Pathology and Laboratory Medicine, Sinai Health System
Classification: Likely pathogenic for Mucopolysaccharidosis type 7. Last evaluated: 2023-05-23. Review status: criteria provided, single submitter. Criteria: ACMG Guidelines, 2015. Collection method: research. Allele origin: germline.

Labcorp Genetics (formerly Invitae), Labcorp
Classification: Uncertain significance for Mucopolysaccharidosis type 7. Last evaluated: 2022-05-13. Review status: criteria provided, single submitter. Criteria: Invitae Variant Classification Sherloc (09022015). Collection method: clinical testing. Allele origin: germline.
Comment: This sequence change creates a premature translational stop signal (p.Gln643*) in the GUSB gene. While this is not anticipated to result in nonsense mediated decay, it is expected to disrupt the last 9 amino acid(s) of the GUSB protein. This variant is not present in population databases (gnomAD no frequency). This variant has not been reported in the literature in individuals affected with GUSB-related conditions. Experimental studies and prediction algorithms are not available or were not evaluated, and the functional significance of this variant is currently unknown. In summary, the available evidence is currently insufficient to determine the role of this variant in disease. Therefore, it has been classified as a Variant of Uncertain Significance.